The following is an entry in ClinVar:

ClinVar aggregate classification (germline): Uncertain significance (1 of 4 stars; one submission).

Submission:

Labcorp Genetics (formerly Invitae), Labcorp
Classification: Uncertain significance. Last evaluated: 2025-05-07. Review status: criteria provided, single submitter. Criteria: Invitae Variant Classification Sherloc (09022015). Collection method: clinical testing. Allele origin: germline.
Comment: This sequence change replaces alanine, which is neutral and non-polar, with glycine, which is neutral and non-polar, at codon 1617 of the POLR1A protein (p.Ala1617Gly). This variant is not present in population databases (gnomAD no frequency). This variant has not been reported in the literature in individuals affected with POLR1A-related conditions. ClinVar contains an entry for this variant (Variation ID: 2420277). Invitae Evidence Modeling of protein sequence and biophysical properties (such as structural, functional, and spatial information, amino acid conservation, physicochemical variation, residue mobility, and thermodynamic stability) has been performed for this missense variant. However, the output from this modeling did not meet the statistical confidence thresholds required to predict the impact of this variant on POLR1A protein function. In summary, the available evidence is currently insufficient to determine the role of this variant in disease. Therefore, it has been classified as a Variant of Uncertain Significance.

NM_015425.6(POLR1A):c.4850C>G (p.Ala1617Gly)

Gene: POLR1A (RNA polymerase I subunit A; minus strand). Cytogenetic location: 2p11.2.
Variant type: single nucleotide variant.
Coding change: c.4850C>G on transcript NM_015425.6 (MANE Select); coding-DNA position 4850, C replaced by G.
Protein change: p.Ala1617Gly; replaces alanine 1617 with glycine.
Molecular consequence: missense variant.
Genome position (GRCh38, 1-based): chr2:86,028,641, G>C on the plus strand (C>G on the coding strand, the complement: POLR1A is on the minus strand). VCF-style: chr2-86028641-G-C. GRCh37 (hg19) VCF-style: chr2-86255764-G-C.
Other names: short protein forms A1617G.
Identifiers: ClinVar variation 2420277 (VCV002420277.6), dbSNP rs766483569, ClinGen allele CA347544678.